The following is an entry in ClinVar:

ClinVar aggregate classification (germline): Uncertain significance (1 of 4 stars; one submission).

Submission:

Labcorp Genetics (formerly Invitae), Labcorp
Classification: Uncertain significance. Last evaluated: 2024-01-29. Review status: criteria provided, single submitter. Criteria: Invitae Variant Classification Sherloc (09022015). Collection method: clinical testing. Allele origin: germline.
Comment: This sequence change replaces alanine, which is neutral and non-polar, with glycine, which is neutral and non-polar, at codon 17 of the NDUFS6 protein (p.Ala17Gly). This variant is not present in population databases (gnomAD no frequency). This variant has not been reported in the literature in individuals affected with NDUFS6-related conditions. ClinVar contains an entry for this variant (Variation ID: 1946907). An algorithm developed to predict the effect of missense changes on protein structure and function (PolyPhen-2) suggests that this variant is likely to be tolerated. In summary, the available evidence is currently insufficient to determine the role of this variant in disease. Therefore, it has been classified as a Variant of Uncertain Significance.

NM_004553.6(NDUFS6):c.50C>G (p.Ala17Gly)

Gene: NDUFS6 (NADH:ubiquinone oxidoreductase subunit S6; plus strand). Cytogenetic location: 5p15.33.
Variant type: single nucleotide variant.
Coding change: c.50C>G on transcript NM_004553.6 (MANE Select); coding-DNA position 50, C replaced by G.
Protein change: p.Ala17Gly; replaces alanine 17 with glycine.
Molecular consequence: missense variant.
Genome position (GRCh38, 1-based): chr5:1,801,467, C>G. VCF-style: chr5-1801467-C-G. GRCh37 (hg19) VCF-style: chr5-1801581-C-G.
Other names: short protein forms A17G.
Identifiers: ClinVar variation 1946907 (VCV001946907.5), dbSNP rs775282041, ClinGen allele CA359088691.
Genomic context (GRCh38, chr5:1,801,467, plus strand): 5'-AGCGGCGCAAAATGGCGGCGGCGATGACCTTCTGCCGGCTGCTGAACCGGTGTGGCGAGG[C>G]GGCGCGGAGCCTGCCCCTGGGCGCCAGGTGTTTCGGGGTGCGGGTCTCGCCGACCGGGGA-3'
Protein context (NP_004544.1, residues 7-27): FCRLLNRCGE[Ala17Gly]ARSLPLGARC